The following is an entry in ClinVar:

NM_003924.4(PHOX2B):c.813A>C (p.Gln271His)

Gene: PHOX2B (paired like homeobox 2B; minus strand). Cytogenetic location: 4p13.
Variant type: single nucleotide variant.
Coding change: c.813A>C on transcript NM_003924.4 (MANE Select); coding-DNA position 813, A replaced by C.
Protein change: p.Gln271His; replaces glutamine 271 with histidine.
Molecular consequence: missense variant.
Genome position (GRCh38, 1-based): chr4:41,745,939, T>G on the plus strand (A>C on the coding strand, the complement: PHOX2B is on the minus strand). VCF-style: chr4-41745939-T-G. GRCh37 (hg19) VCF-style: chr4-41747956-T-G.
Other names: short protein forms Q271H.
Identifiers: ClinVar variation 5026604 (VCV005026604.1).

ClinVar aggregate classification (germline): Uncertain significance (1 of 4 stars; one submission).

Conditions:
Hereditary cancer-predisposing syndrome. Also called: Neoplastic Syndromes, Hereditary; Tumor predisposition; Hereditary neoplastic syndrome; Hereditary Cancer Syndrome. Identifiers: Orphanet 140162, MedGen C0027672, MeSH D009386, MONDO:0015356.

Submission:

Ambry Genetics
Classification: Uncertain significance for Hereditary cancer-predisposing syndrome. Last evaluated: 2026-07-07. Review status: criteria provided, single submitter. Criteria: Ambry Variant Classification Scheme 2023. Collection method: clinical testing. Allele origin: germline.
Comment: The p.Q271H variant (also known as c.813A>C), located in coding exon 3 of the PHOX2B gene, results from an A to C substitution at nucleotide position 813. The glutamine at codon 271 is replaced by histidine, an amino acid with highly similar properties. This amino acid position is conserved. In addition, this alteration is predicted to be tolerated by in silico analysis. Based on the available evidence, the clinical significance of this variant remains unclear.